The following is an entry in ClinVar:

ClinVar aggregate classification (germline): Likely pathogenic (1 of 4 stars; one submission).

Conditions:
Meckel-Gruber syndrome. Also called: DYSENCEPHALIA SPLANCHNOCYSTICA; GRUBER SYNDROME; Dysencephalia splachnocystica. Identifiers: Orphanet 564, MedGen C0265215, MONDO:0018921.
Nephronophthisis. Also called: Juvenile Nephronophthisis. Identifiers: Orphanet 655, MedGen C0687120, MONDO:0019005, HP:0000090.
Joubert syndrome. Also called: CEREBELLOPARENCHYMAL DISORDER IV; JOUBERT-BOLTSHAUSER SYNDROME; Familial aplasia of the vermis. Identifiers: Orphanet 475, MedGen C5979921, MONDO:0018772.

Submission:

Labcorp Genetics (formerly Invitae), Labcorp
Classification: Likely pathogenic for Joubert syndrome; Meckel-Gruber syndrome; Nephronophthisis. Last evaluated: 2025-09-02. Review status: criteria provided, single submitter. Criteria: Invitae Variant Classification Sherloc (09022015). Collection method: clinical testing. Allele origin: germline.
Comment: This sequence change affects an acceptor splice site in intron 31 of the CEP290 gene. It is expected to disrupt RNA splicing. Variants that disrupt the donor or acceptor splice site typically lead to a loss of protein function (PMID: 16199547), and loss-of-function variants in CEP290 are known to be pathogenic (PMID: 16909394, 17345604, 20690115). This variant is not present in population databases (gnomAD no frequency). This variant has not been reported in the literature in individuals affected with CEP290-related conditions. ClinVar contains an entry for this variant (Variation ID: 839338). Algorithms developed to predict the effect of sequence changes on RNA splicing suggest that this variant may disrupt the consensus splice site. In summary, the currently available evidence indicates that the variant is pathogenic, but additional data are needed to prove that conclusively. Therefore, this variant has been classified as Likely Pathogenic.

Literature cited by the submitters: PubMed 16199547; PubMed 16909394; PubMed 17345604; PubMed 20690115.

NM_025114.4(CEP290):c.4030-2A>G

Gene: CEP290 (centrosomal protein 290; minus strand). Cytogenetic location: 12q21.32.
Variant type: single nucleotide variant.
Coding change: c.4030-2A>G on transcript NM_025114.4 (MANE Select); the canonical splice acceptor site of the intron before coding-DNA position 4030, A replaced by G.
Molecular consequence: splice acceptor variant.
Genome position (GRCh38, 1-based): chr12:88,087,946, T>C on the plus strand (A>G on the coding strand, the complement: CEP290 is on the minus strand). VCF-style: chr12-88087946-T-C. GRCh37 (hg19) VCF-style: chr12-88481723-T-C.
Identifiers: ClinVar variation 839338 (VCV000839338.8), dbSNP rs2036722229, ClinGen allele CA385999375.
Genomic context (GRCh38, chr12:88,087,946, plus strand): 5'-CGATTTAGTTTAAGTTCTTGAAGACGAAGTTCTTCTATTTTCATATGCCAGTTGATTACC[T>C]AAGATTTACAATTTATATACACAAATATAAATGCTATATTAACAAATAACATTCCTCCAT-3'